The following is an entry in ClinVar:

ClinVar aggregate classification (germline): Uncertain significance (1 of 4 stars; one submission).

Conditions:
Early-infantile DEE. Also called: Ohtahara syndrome; Early infantile epileptic encephalopathy with suppression bursts; Early infantile epileptic encephalopathy. Identifiers: Orphanet 1934, MedGen C0393706, MONDO:0800491.

Submission:

Labcorp Genetics (formerly Invitae), Labcorp
Classification: Uncertain significance for Early-infantile DEE. Last evaluated: 2021-11-08. Review status: criteria provided, single submitter. Criteria: Invitae Variant Classification Sherloc (09022015). Collection method: clinical testing. Allele origin: germline.
Comment: In summary, the available evidence is currently insufficient to determine the role of this variant in disease. Therefore, it has been classified as a Variant of Uncertain Significance. Advanced modeling of protein sequence and biophysical properties (such as structural, functional, and spatial information, amino acid conservation, physicochemical variation, residue mobility, and thermodynamic stability) performed at Invitae indicates that this missense variant is expected to disrupt KCNQ2 protein function. This variant has not been reported in the literature in individuals affected with KCNQ2-related conditions. This sequence change replaces leucine, which is neutral and non-polar, with valine, which is neutral and non-polar, at codon 299 of the KCNQ2 protein (p.Leu299Val). This variant is not present in population databases (gnomAD no frequency).

NM_172107.4(KCNQ2):c.895C>G (p.Leu299Val)

Gene: KCNQ2 (potassium voltage-gated channel subfamily Q member 2; minus strand). Cytogenetic location: 20q13.33.
Variant type: single nucleotide variant.
Coding change: c.895C>G on transcript NM_172107.4 (MANE Select); coding-DNA position 895, C replaced by G.
Protein change: p.Leu299Val; replaces leucine 299 with valine.
Molecular consequence: missense variant.
Genome position (GRCh38, 1-based): chr20:63,439,630, G>C on the plus strand (C>G on the coding strand, the complement: KCNQ2 is on the minus strand). VCF-style: chr20-63439630-G-C. GRCh37 (hg19) VCF-style: chr20-62070983-G-C.
Other names: c.895C>G, p.Leu299Val (NM_004518.6, NM_172106.3, NM_172108.5 and 2 more transcripts); short protein forms L299V.
Identifiers: ClinVar variation 1425132 (VCV001425132.7), dbSNP rs2145718755, ClinGen allele CA409652543.